The following is an entry in ClinVar:

ClinVar aggregate classification (germline): Uncertain significance (1 of 4 stars; one submission).

Conditions:
Progressive myoclonic epilepsy type 8. Identifiers: Orphanet 424027, MedGen C5190825, MONDO:0014545, OMIM 616230.

Allele frequency attached by ClinVar (database versions not stated): gnomAD 0.00001; TOPMed below 0.00001.
gnomAD v4.1: 41 of 1,613,538 alleles (0.0025%); highest among the groups gnomAD compares: Non-Finnish European, 0.0031%; no homozygotes.

Submission:

Labcorp Genetics (formerly Invitae), Labcorp
Classification: Uncertain significance for Progressive myoclonic epilepsy type 8. Last evaluated: 2022-08-16. Review status: criteria provided, single submitter. Criteria: Invitae Variant Classification Sherloc (09022015). Collection method: clinical testing. Allele origin: germline.
Comment: This variant is present in population databases (rs772627907, gnomAD 0.003%). This variant has not been reported in the literature in individuals affected with CERS1-related conditions. ClinVar contains an entry for this variant (Variation ID: 542130). Algorithms developed to predict the effect of missense changes on protein structure and function are either unavailable or do not agree on the potential impact of this missense change (SIFT: "Deleterious"; PolyPhen-2: "Benign"; Align-GVGD: "Class C0"). In summary, the available evidence is currently insufficient to determine the role of this variant in disease. Therefore, it has been classified as a Variant of Uncertain Significance. This sequence change replaces leucine, which is neutral and non-polar, with valine, which is neutral and non-polar, at codon 187 of the CERS1 protein (p.Leu187Val).

NM_021267.5(CERS1):c.559C>G (p.Leu187Val)

Genes: CERS1 (ceramide synthase 1; minus strand), GDF1 (growth differentiation factor 1; minus strand). Cytogenetic location: 19p13.11.
Variant type: single nucleotide variant.
Coding change: c.559C>G on transcript NM_021267.5 (MANE Select); coding-DNA position 559, C replaced by G.
Protein change: p.Leu187Val; replaces leucine 187 with valine.
Molecular consequence: missense variant. On other transcripts: 5 prime UTR variant (2).
Genome position (GRCh38, 1-based): chr19:18,884,118, G>C on the plus strand (C>G on the coding strand, the complement: CERS1 is on the minus strand). VCF-style: chr19-18884118-G-C. GRCh37 (hg19) VCF-style: chr19-18994927-G-C.
Other names: c.265C>G, p.Leu89Val (NM_001290265.2, NM_001387442.1, NM_001387443.1 and 2 more transcripts); c.559C>G, p.Leu187Val (NM_001387439.1, NM_001387440.1, NM_001387441.1 and 1 more transcripts); c.-344C>G (NM_001387438.1); c.-764C>G (NM_001492.6); short protein forms L187V, L89V.
Identifiers: ClinVar variation 542130 (VCV000542130.10), dbSNP rs772627907, ClinGen allele CA9318229.